The following is an entry in ClinVar:

ClinVar aggregate classification (germline): Benign/Likely benign. Review status: criteria provided, multiple submitters, no conflicts (2 of 4 stars). 4 submissions from 4 submitters: Benign (1); Likely benign (3). Last evaluated 2026-01-28.

Allele frequency attached by ClinVar (database versions not stated): TOPMed 0.00256; 1000 Genomes Project 0.00280; ESP Exome Variant Server 0.00284; 1000 Genomes Project 30x 0.00297.
gnomAD v4.1: 881 of 1,613,574 alleles (0.055%); highest among the groups gnomAD compares: African/African-American, 0.89%; 2 homozygotes.

Submissions (4):

Labcorp Genetics (formerly Invitae), Labcorp
Classification: Benign. Last evaluated: 2026-01-28. Review status: criteria provided, single submitter. Criteria: Invitae Variant Classification Sherloc (09022015). Collection method: clinical testing. Allele origin: germline.

Blueprint Genetics
Classification: Likely benign. Last evaluated: 2024-09-16. Review status: criteria provided, single submitter. Criteria: ACMG Guidelines, 2015. Collection method: clinical testing. Allele origin: germline.

GeneDx
Classification: Likely benign. Last evaluated: 2017-09-11. Review status: criteria provided, single submitter. Criteria: GeneDx Variant Classification (06012015). Collection method: clinical testing. Allele origin: germline. Affected: yes.
Comment: This variant is considered likely benign or benign based on one or more of the following criteria: it is a conservative change, it occurs at a poorly conserved position in the protein, it is predicted to be benign by multiple in silico algorithms, and/or has population frequency not consistent with disease.

Breakthrough Genomics
Classification: Likely benign. Review status: criteria provided, single submitter. Criteria: ACMG Guidelines, 2015. Collection method: not provided. Allele origin: germline. Inheritance: Autosomal recessive inheritance. Affected: yes.

NM_024996.7(GFM1):c.1909+13C>T

Gene: GFM1 (G elongation factor mitochondrial 1; plus strand). Cytogenetic location: 3q25.32.
Variant type: single nucleotide variant.
Coding change: c.1909+13C>T on transcript NM_024996.7 (MANE Select); 13 bases into the intron after coding-DNA position 1909, C replaced by T.
Molecular consequence: intron variant.
Genome position (GRCh38, 1-based): chr3:158,684,681, C>T. VCF-style: chr3-158684681-C-T. GRCh37 (hg19) VCF-style: chr3-158402470-C-T.
Other names: c.1966+13C>T (NM_001308164.2); c.1684+13C>T (NM_001374357.1); c.1828+13C>T (NM_001374355.1); c.1792+13C>T (NM_001374356.1); c.1342+13C>T (NM_001374359.1, NM_001374360.1); c.1225+13C>T (NM_001374361.1); c.1450+13C>T (NM_001374358.1).
Identifiers: ClinVar variation 377923 (VCV000377923.11), dbSNP rs141146379, ClinGen allele CA2683012.